The following is an entry in ClinVar:

NM_001291303.3(FAT4):c.13594A>G (p.Arg4532Gly)

Gene: FAT4 (FAT atypical cadherin 4; plus strand). Cytogenetic location: 4q28.1.
Variant type: single nucleotide variant.
Coding change: c.13594A>G on transcript NM_001291303.3 (MANE Select); coding-DNA position 13594, A replaced by G.
Protein change: p.Arg4532Gly; replaces arginine 4532 with glycine.
Molecular consequence: missense variant.
Genome position (GRCh38, 1-based): chr4:125,490,410, A>G. VCF-style: chr4-125490410-A-G. GRCh37 (hg19) VCF-style: chr4-126411565-A-G.
Other names: c.13591A>G, p.Arg4531Gly (NM_001291285.3); c.13588A>G, p.Arg4530Gly (NM_024582.6); c.13588A>G (NM_024582.4); short protein forms R4531G, R4530G, R4532G.
Identifiers: ClinVar variation 1414516 (VCV001414516.7), dbSNP rs373502916, ClinGen allele CA3074395.

ClinVar aggregate classification (germline): Uncertain significance. Review status: criteria provided, multiple submitters, no conflicts (2 of 4 stars). 2 submissions from 2 submitters: Uncertain significance (2). Last evaluated 2025-06-04.

Conditions:
Inborn genetic diseases. Identifiers: MedGen C0950123, MeSH D030342.

Allele frequency attached by ClinVar (database versions not stated): ExAC 0.00002; gnomAD exomes 0.00002; ESP Exome Variant Server 0.00008.
gnomAD v4.1: 23 of 1,614,084 alleles (0.0014%); highest among the groups gnomAD compares: Non-Finnish European, 0.0019%; no homozygotes.

Submissions (2):

Labcorp Genetics (formerly Invitae), Labcorp
Classification: Uncertain significance. Last evaluated: 2025-06-04. Review status: criteria provided, single submitter. Criteria: Invitae Variant Classification Sherloc (09022015). Collection method: clinical testing. Allele origin: germline.
Comment: This sequence change replaces arginine, which is basic and polar, with glycine, which is neutral and non-polar, at codon 4530 of the FAT4 protein (p.Arg4530Gly). This variant is present in population databases (rs373502916, gnomAD 0.004%). This variant has not been reported in the literature in individuals affected with FAT4-related conditions. ClinVar contains an entry for this variant (Variation ID: 1414516). Invitae Evidence Modeling of protein sequence and biophysical properties (such as structural, functional, and spatial information, amino acid conservation, physicochemical variation, residue mobility, and thermodynamic stability) indicates that this missense variant is not expected to disrupt FAT4 protein function with a negative predictive value of 80%. In summary, the available evidence is currently insufficient to determine the role of this variant in disease. Therefore, it has been classified as a Variant of Uncertain Significance.

Ambry Genetics
Classification: Uncertain significance for Inborn genetic diseases. Last evaluated: 2023-01-26. Review status: criteria provided, single submitter. Criteria: Ambry Variant Classification Scheme 2023. Collection method: clinical testing. Allele origin: germline.